The following is an entry in ClinVar:

NM_017617.5(NOTCH1):c.1539G>C (p.Gln513His)

Gene: NOTCH1 (notch receptor 1; minus strand). Cytogenetic location: 9q34.3.
Variant type: single nucleotide variant.
Coding change: c.1539G>C on transcript NM_017617.5 (MANE Select); coding-DNA position 1539, G replaced by C.
Protein change: p.Gln513His; replaces glutamine 513 with histidine.
Molecular consequence: missense variant.
Genome position (GRCh38, 1-based): chr9:136,517,288, C>G on the plus strand (G>C on the coding strand, the complement: NOTCH1 is on the minus strand). VCF-style: chr9-136517288-C-G. GRCh37 (hg19) VCF-style: chr9-139411740-C-G.
Other names: c.1539G>C, p.Gln513His (LRG_1122t1); short protein forms Q513H.
Identifiers: ClinVar variation 657097 (VCV000657097.8), dbSNP rs747069934, ClinGen allele CA375562103.

ClinVar aggregate classification (germline): Uncertain significance (1 of 4 stars; one submission).

Conditions:
Adams-Oliver syndrome 5 (AOS5). Identifiers: Orphanet 974, MedGen C4014970, MONDO:0014459, OMIM 616028.

Submission:

Labcorp Genetics (formerly Invitae), Labcorp
Classification: Uncertain significance for Adams-Oliver syndrome 5. Last evaluated: 2025-10-22. Review status: criteria provided, single submitter. Criteria: Invitae Variant Classification Sherloc (09022015). Collection method: clinical testing. Allele origin: germline.
Comment: This sequence change replaces glutamine, which is neutral and polar, with histidine, which is basic and polar, at codon 513 of the NOTCH1 protein (p.Gln513His). This variant is not present in population databases (gnomAD no frequency). This variant has not been reported in the literature in individuals affected with NOTCH1-related conditions. ClinVar contains an entry for this variant (Variation ID: 657097). Invitae Evidence Modeling of protein sequence and biophysical properties (such as structural, functional, and spatial information, amino acid conservation, physicochemical variation, residue mobility, and thermodynamic stability) indicates that this missense variant is not expected to disrupt NOTCH1 protein function with a negative predictive value of 80%. In summary, the available evidence is currently insufficient to determine the role of this variant in disease. Therefore, it has been classified as a Variant of Uncertain Significance.